The following is an entry in ClinVar:

ClinVar aggregate classification (germline): Uncertain significance (1 of 4 stars; one submission).

Conditions:
LEPR-related disorder. Also called: LEPR-related condition; LEPR-related disorders.

gnomAD v4.1: 8 of 1,613,486 alleles (0.0005%); highest among the groups gnomAD compares: African/African-American, 0.0013%; no homozygotes.

Submission:

PreventionGenetics, part of Exact Sciences
Classification: Uncertain significance for LEPR-related condition. Last evaluated: 2026-06-27. Review status: criteria provided, single submitter. Criteria: ACMG Guidelines, 2015. Collection method: clinical testing. Allele origin: germline.
Comment: The LEPR c.1718G>A variant is predicted to result in the amino acid substitution p.Arg573His. This variant was observed in a cohort of individuals with obesity, and in vitro functional studies showed inconclusive evidence of loss of function (Supplemental Data Set, Shah et al. 2023. PubMed ID: 36864747). This variant is reported in 0.0050% of alleles in individuals of East Asian descent in gnomAD. At this time, the clinical significance of this variant is uncertain due to the absence of conclusive functional and genetic evidence.

NM_002303.6(LEPR):c.1718G>A (p.Arg573His)

Gene: LEPR (leptin receptor; plus strand). Cytogenetic location: 1p31.3.
Variant type: single nucleotide variant.
Coding change: c.1718G>A on transcript NM_002303.6 (MANE Select); coding-DNA position 1718, G replaced by A.
Protein change: p.Arg573His; replaces arginine 573 with histidine.
Molecular consequence: missense variant.
Genome position (GRCh38, 1-based): chr1:65,608,867, G>A. VCF-style: chr1-65608867-G-A. GRCh37 (hg19) VCF-style: chr1-66074550-G-A.
Other names: c.1718G>A, p.Arg573His (NM_001003679.3, NM_001003680.3, NM_001198687.2 and 2 more transcripts); short protein forms R573H.
Identifiers: ClinVar variation 2634907 (VCV002634907.3), dbSNP rs150826083, ClinGen allele CA23916123.
Genomic context (GRCh38, chr1:65,608,867, plus strand): 5'-TATTGAAAATATCTTGGGAAAAGCCAGTCTTTCCAGAGAATAACCTTCAATTCCAGATTC[G>A]CTATGGTTTAAGTGGAAAAGAAGTACAATGGAAGGTACCTTTTACTTAGAACTTCAGCTT-3'
Protein context (NP_002294.2, residues 563-583): FPENNLQFQI[Arg573His]YGLSGKEVQW